The following is an entry in ClinVar:

ClinVar aggregate classification (germline): Uncertain significance (1 of 4 stars; one submission).

Conditions:
NRP2-related disorder. Also called: NRP2-related condition.

gnomAD v4.1: 3 of 1,614,070 alleles (0.00019%); highest among the groups gnomAD compares: South Asian, 0.0011%; no homozygotes.

Submission:

PreventionGenetics, part of Exact Sciences
Classification: Uncertain significance for NRP2-related condition. Last evaluated: 2026-07-22. Review status: criteria provided, single submitter. Criteria: ACMG Guidelines, 2015. Collection method: clinical testing. Allele origin: germline.
Comment: The NRP2 c.1828A>G variant is predicted to result in the amino acid substitution p.Ser610Gly. To our knowledge, this variant has not been reported in the literature or in a large population database (gnomAD), indicating this variant is rare. At this time, the clinical significance of this variant is uncertain due to the absence of conclusive functional and genetic evidence.

NM_003872.3(NRP2):c.1828A>G (p.Ser610Gly)

Gene: NRP2 (neuropilin 2; plus strand). Cytogenetic location: 2q33.3.
Variant type: single nucleotide variant.
Coding change: c.1828A>G on transcript NM_003872.3 (MANE Select); coding-DNA position 1828, A replaced by G.
Protein change: p.Ser610Gly; replaces serine 610 with glycine.
Molecular consequence: missense variant.
Genome position (GRCh38, 1-based): chr2:205,749,766, A>G. VCF-style: chr2-205749766-A-G. GRCh37 (hg19) VCF-style: chr2-206614490-A-G.
Other names: c.1828A>G, p.Ser610Gly (NM_018534.4, NM_201266.2, NM_201267.2 and 1 more transcripts); short protein forms S610G.
Identifiers: ClinVar variation 3345911 (VCV003345911.2).